The following is an entry in ClinVar:

NM_000548.5(TSC2):c.3245G>T (p.Gly1082Val)

Gene: TSC2 (TSC complex subunit 2; plus strand). Cytogenetic location: 16p13.3.
Variant type: single nucleotide variant.
Coding change: c.3245G>T on transcript NM_000548.5 (MANE Select); coding-DNA position 3245, G replaced by T.
Protein change: p.Gly1082Val; replaces glycine 1082 with valine.
Molecular consequence: missense variant.
Genome position (GRCh38, 1-based): chr16:2,079,389, G>T. VCF-style: chr16-2079389-G-T. GRCh37 (hg19) VCF-style: chr16-2129390-G-T.
Other names: c.3113G>T, p.Gly1038Val (NM_001077183.3, NM_001370404.1); c.3245G>T, p.Gly1082Val (NM_001114382.3); c.3005G>T, p.Gly1002Val (NM_001318827.2); c.2969G>T, p.Gly990Val (NM_001318829.2); c.2513G>T, p.Gly838Val (NM_001318831.2); c.3146G>T, p.Gly1049Val (NM_001318832.2); c.3116G>T, p.Gly1039Val (NM_001363528.2, NM_001370405.1, NM_021055.3); short protein forms G1039V, G990V, G1002V, G1038V, G838V, G1082V, G1049V.
Identifiers: ClinVar variation 1444509 (VCV001444509.6), dbSNP rs2151440096, ClinGen allele CA394286108.

ClinVar aggregate classification (germline): Uncertain significance (1 of 4 stars; one submission).

Conditions:
Tuberous sclerosis 2 (TSC2). Identifiers: Orphanet 805, MedGen C1860707, MONDO:0013199, OMIM 613254.

Submission:

Labcorp Genetics (formerly Invitae), Labcorp
Classification: Uncertain significance for Tuberous sclerosis 2. Last evaluated: 2023-05-23. Review status: criteria provided, single submitter. Criteria: Invitae Variant Classification Sherloc (09022015). Collection method: clinical testing. Allele origin: germline.
Comment: This sequence change replaces glycine, which is neutral and non-polar, with valine, which is neutral and non-polar, at codon 1082 of the TSC2 protein (p.Gly1082Val). This variant is not present in population databases (gnomAD no frequency). This variant has not been reported in the literature in individuals affected with TSC2-related conditions. ClinVar contains an entry for this variant (Variation ID: 1444509). Advanced modeling of protein sequence and biophysical properties (such as structural, functional, and spatial information, amino acid conservation, physicochemical variation, residue mobility, and thermodynamic stability) has been performed at Invitae for this missense variant, however the output from this modeling did not meet the statistical confidence thresholds required to predict the impact of this variant on TSC2 protein function. In summary, the available evidence is currently insufficient to determine the role of this variant in disease. Therefore, it has been classified as a Variant of Uncertain Significance.